The following is an entry in ClinVar:

ClinVar aggregate classification (germline): Uncertain significance. Review status: criteria provided, multiple submitters, no conflicts (2 of 4 stars). 2 submissions from 2 submitters: Uncertain significance (2). Last evaluated 2025-04-02.

Conditions:
Hereditary cancer-predisposing syndrome. Also called: Hereditary Cancer Syndrome; Tumor predisposition; Hereditary neoplastic syndrome; Neoplastic Syndromes, Hereditary. Identifiers: Orphanet 140162, MedGen C0027672, MeSH D009386, MONDO:0015356.

Allele frequency attached by ClinVar (database versions not stated): gnomAD exomes below 0.00001; TOPMed 0.00001; gnomAD 0.00002.
gnomAD v4.1: 8 of 1,606,916 alleles (0.0005%); highest among the groups gnomAD compares: Non-Finnish European, 0.00068%; no homozygotes.

Submissions (2):

Labcorp Genetics (formerly Invitae), Labcorp
Classification: Uncertain significance. Last evaluated: 2025-04-02. Review status: criteria provided, single submitter. Criteria: Invitae Variant Classification Sherloc (09022015). Collection method: clinical testing. Allele origin: germline.
Comment: This sequence change replaces aspartic acid, which is acidic and polar, with asparagine, which is neutral and polar, at codon 22 of the SMARCB1 protein (p.Asp22Asn). This variant is not present in population databases (gnomAD no frequency). This variant has not been reported in the literature in individuals affected with SMARCB1-related conditions. ClinVar contains an entry for this variant (Variation ID: 646013). An algorithm developed to predict the effect of missense changes on protein structure and function (PolyPhen-2) suggests that this variant is likely to be tolerated. In summary, the available evidence is currently insufficient to determine the role of this variant in disease. Therefore, it has been classified as a Variant of Uncertain Significance.

Ambry Genetics
Classification: Uncertain significance for Hereditary cancer-predisposing syndrome. Last evaluated: 2024-11-22. Review status: criteria provided, single submitter. Criteria: Ambry Variant Classification Scheme 2023. Collection method: clinical testing. Allele origin: germline.
Comment: The p.D22N variant (also known as c.64G>A), located in coding exon 1 of the SMARCB1 gene, results from a G to A substitution at nucleotide position 64. The aspartic acid at codon 22 is replaced by asparagine, an amino acid with highly similar properties. This amino acid position is well conserved in available vertebrate species. In addition, this alteration is predicted to be tolerated by in silico analysis. Missense and in-frame variants in SMARCB1 are known to cause neurodevelopmental disorders; however, such associations with rhabdoid tumor predisposition syndrome are exceedingly rare (Kosho T et al. Am J Med Genet C Semin Med Genet. 2014 Sep;166C(3):262-75; Eaton KW et al. Pediatr Blood Cancer. 2011 Jan;56(1):7-15). Based on the supporting evidence, the association of this alteration with Coffin-Siris syndrome is unknown; however, the association of this alteration with is rhabdoid tumor predisposition syndrome unlikely.

NM_003073.5(SMARCB1):c.64G>A (p.Asp22Asn)

Gene: SMARCB1 (SWI/SNF related BAF chromatin remodeling complex subunit B1; plus strand). Cytogenetic location: 22q11.23.
Variant type: single nucleotide variant.
Coding change: c.64G>A on transcript NM_003073.5 (MANE Select); coding-DNA position 64, G replaced by A.
Protein change: p.Asp22Asn; replaces aspartic acid 22 with asparagine.
Molecular consequence: missense variant.
Genome position (GRCh38, 1-based): chr22:23,787,233, G>A. VCF-style: chr22-23787233-G-A. GRCh37 (hg19) VCF-style: chr22-24129420-G-A.
Other names: c.64G>A (LRG_520t1); c.64G>A, p.Asp22Asn (NM_001007468.3, NM_001317946.2, NM_001362877.2); short protein forms D22N.
Identifiers: ClinVar variation 646013 (VCV000646013.12), dbSNP rs1417899723, ClinGen allele CA410930832.
Genomic context (GRCh38, chr22:23,787,233, plus strand): 5'-ATGATGATGGCGCTGAGCAAGACCTTCGGGCAGAAGCCCGTGAAGTTCCAGCTGGAGGAC[G>A]ACGGCGAGTTCTACATGATCGGCTCCGAGGTAGCCCGGGGCGCGTTCTCGCCCTCCCCGG-3'
Protein context (NP_003064.2, residues 12-32): QKPVKFQLED[Asp22Asn]GEFYMIGSEV